The following is an entry in ClinVar:

ClinVar aggregate classification (germline): Likely benign. Review status: criteria provided, single submitter (1 of 4 stars). 2 submissions from 2 submitters: Likely benign (1). 1 of the submissions does not count toward it. Last evaluated 2024-10-14.

Conditions:
SCRIB-related disorder. Also called: SCRIB-related condition.

Allele frequency attached by ClinVar (database versions not stated): gnomAD exomes 0.00048; ExAC 0.00123; ESP Exome Variant Server 0.00255; gnomAD 0.00319; TOPMed 0.00323; 1000 Genomes Project 0.00479; 1000 Genomes Project 30x 0.00500.
gnomAD v4.1: 1,205 of 1,596,018 alleles (0.076%); highest among the groups gnomAD compares: African/African-American, 1%; 5 homozygotes.

Submissions (2):

Blueprint Genetics
Classification: Likely benign. Last evaluated: 2024-10-14. Review status: criteria provided, single submitter. Criteria: ACMG Guidelines, 2015. Collection method: clinical testing. Allele origin: germline.

PreventionGenetics, part of Exact Sciences
Classification: Benign for SCRIB-related condition. Last evaluated: 2020-01-31. Review status: no assertion criteria provided. Collection method: clinical testing. Allele origin: germline. Not counted in ClinVar's aggregate classification.
Comment: This variant is classified as benign based on ACMG/AMP sequence variant interpretation guidelines (Richards et al. 2015 PMID: 25741868, with internal and published modifications).

NM_182706.5(SCRIB):c.3555C>T (p.Thr1185=)

Gene: SCRIB (scribble planar cell polarity protein; minus strand). Cytogenetic location: 8q24.3.
Variant type: single nucleotide variant.
Coding change: c.3555C>T on transcript NM_182706.5 (MANE Select); coding-DNA position 3555, C replaced by T.
Protein change: p.Thr1185=; no amino-acid change (threonine 1185 retained).
Molecular consequence: synonymous variant.
Genome position (GRCh38, 1-based): chr8:143,803,431, G>A on the plus strand (C>T on the coding strand, the complement: SCRIB is on the minus strand). VCF-style: chr8-143803431-G-A. GRCh37 (hg19) VCF-style: chr8-144885601-G-A.
Other names: c.3555C>T, p.Thr1185= (NM_015356.5).
Identifiers: ClinVar variation 3034499 (VCV003034499.3), dbSNP rs142247868, ClinGen allele CA4918664.